The following is an entry in ClinVar:

ClinVar aggregate classification (germline): Likely benign (0 of 4 stars; one submission).

Conditions:
BBS5-related disorder. Also called: BBS5-related condition.

Submission:

PreventionGenetics, part of Exact Sciences
Classification: Likely benign for BBS5-related condition. Last evaluated: 2024-09-16. Review status: no assertion criteria provided. Collection method: clinical testing. Allele origin: germline.
Comment: This variant is classified as likely benign based on ACMG/AMP sequence variant interpretation guidelines (Richards et al. 2015 PMID: 25741868, with internal and published modifications).

NM_152384.3(BBS5):c.441T>A (p.Ile147=)

Gene: BBS5 (Bardet-Biedl syndrome 5; plus strand). Cytogenetic location: 2q31.1.
Variant type: single nucleotide variant.
Coding change: c.441T>A on transcript NM_152384.3 (MANE Select); coding-DNA position 441, T replaced by A.
Protein change: p.Ile147=; no amino-acid change (isoleucine 147 retained).
Molecular consequence: synonymous variant.
Genome position (GRCh38, 1-based): chr2:169,492,928, T>A. VCF-style: chr2-169492928-T-A. GRCh37 (hg19) VCF-style: chr2-170349438-T-A.
Identifiers: ClinVar variation 3347348 (VCV003347348.1).